The following is an entry in ClinVar:

NM_004385.5(VCAN):c.415A>G (p.Thr139Ala)

Gene: VCAN (versican; plus strand). Cytogenetic location: 5q14.2.
Variant type: single nucleotide variant.
Coding change: c.415A>G on transcript NM_004385.5 (MANE Select); coding-DNA position 415, A replaced by G.
Protein change: p.Thr139Ala; replaces threonine 139 with alanine.
Molecular consequence: missense variant.
Genome position (GRCh38, 1-based): chr5:83,490,442, A>G. VCF-style: chr5-83490442-A-G. GRCh37 (hg19) VCF-style: chr5-82786261-A-G.
Other names: c.415A>G, p.Thr139Ala (NM_001126336.3, NM_001164097.2, NM_001164098.2); short protein forms T139A.
Identifiers: ClinVar variation 2189397 (VCV002189397.4), dbSNP rs745866624, ClinGen allele CA3332450.

ClinVar aggregate classification (germline): Uncertain significance (1 of 4 stars; one submission).

Allele frequency attached by ClinVar (database versions not stated): gnomAD exomes below 0.00001; ExAC 0.00001; gnomAD 0.00001; TOPMed 0.00001.
gnomAD v4.1: 6 of 1,614,078 alleles (0.00037%); highest among the groups gnomAD compares: Middle Eastern, 0.016%; no homozygotes.

Submission:

Labcorp Genetics (formerly Invitae), Labcorp
Classification: Uncertain significance. Last evaluated: 2022-02-18. Review status: criteria provided, single submitter. Criteria: Invitae Variant Classification Sherloc (09022015). Collection method: clinical testing. Allele origin: germline.
Comment: In summary, the available evidence is currently insufficient to determine the role of this variant in disease. Therefore, it has been classified as a Variant of Uncertain Significance. Algorithms developed to predict the effect of missense changes on protein structure and function output the following: SIFT: "Deleterious"; PolyPhen-2: "Benign"; Align-GVGD: "Class C55". The alanine amino acid residue is found in multiple mammalian species, which suggests that this missense change does not adversely affect protein function. This variant has not been reported in the literature in individuals affected with VCAN-related conditions. This variant is present in population databases (rs745866624, gnomAD 0.007%). This sequence change replaces threonine, which is neutral and polar, with alanine, which is neutral and non-polar, at codon 139 of the VCAN protein (p.Thr139Ala).